The following is an entry in ClinVar:

ClinVar aggregate classification (germline): Uncertain significance (1 of 4 stars; one submission).

Allele frequency attached by ClinVar (database versions not stated): gnomAD 0.00001.
gnomAD v4.1: 4 of 1,614,118 alleles (0.00025%); highest among the groups gnomAD compares: Non-Finnish European, 0.00034%; no homozygotes.

Submission:

Labcorp Genetics (formerly Invitae), Labcorp
Classification: Uncertain significance. Last evaluated: 2025-04-07. Review status: criteria provided, single submitter. Criteria: Invitae Variant Classification Sherloc (09022015). Collection method: clinical testing. Allele origin: germline.
Comment: This sequence change replaces serine, which is neutral and polar, with threonine, which is neutral and polar, at codon 683 of the MMP9 protein (p.Ser683Thr). This variant is present in population databases (no rsID available, gnomAD 0.007%). This variant has not been reported in the literature in individuals affected with MMP9-related conditions. ClinVar contains an entry for this variant (Variation ID: 2782800). Invitae Evidence Modeling of protein sequence and biophysical properties (such as structural, functional, and spatial information, amino acid conservation, physicochemical variation, residue mobility, and thermodynamic stability) indicates that this missense variant is not expected to disrupt MMP9 protein function with a negative predictive value of 80%. In summary, the available evidence is currently insufficient to determine the role of this variant in disease. Therefore, it has been classified as a Variant of Uncertain Significance.

NM_004994.3(MMP9):c.2048G>C (p.Ser683Thr)

Genes: MMP9 (matrix metallopeptidase 9; plus strand), SLC12A5-AS1 (SLC12A5 and MMP9 antisense RNA 1; minus strand). Cytogenetic location: 20q13.12.
Variant type: single nucleotide variant.
Coding change: c.2048G>C on transcript NM_004994.3 (MANE Select); coding-DNA position 2048, G replaced by C.
Protein change: p.Ser683Thr; replaces serine 683 with threonine.
Molecular consequence: missense variant.
Genome position (GRCh38, 1-based): chr20:46,016,292, G>C. VCF-style: chr20-46016292-G-C. GRCh37 (hg19) VCF-style: chr20-44644931-G-C.
Other names: short protein forms S683T.
Identifiers: ClinVar variation 2782800 (VCV002782800.3), dbSNP rs1369630811, ClinGen allele CA409227636.